The following is an entry in ClinVar:

NM_020944.3(GBA2):c.812_813del (p.Phe271fs)

Gene: GBA2 (glucosylceramidase beta 2; minus strand). Cytogenetic location: 9p13.3.
Variant type: Deletion.
Coding change: c.812_813del on transcript NM_020944.3 (MANE Select); coding-DNA positions 812 to 813, 2 bases deleted (TT; older notation c.812_813delTT).
Protein change: p.Phe271fs; shifts the reading frame from phenylalanine 271.
Molecular consequence: frameshift variant.
Genome position (GRCh38, 1-based): chr9:35,741,038-35,741,039, AA deleted on the plus strand (TT on the coding strand, the reverse complement: GBA2 is on the minus strand); deleting any 2 consecutive bases within chr9:35,741,038-35,741,040 gives the same sequence; the c. name uses the placement nearest the transcript's 3' end. VCF-style (leftmost placement, unchanged base first): chr9-35741037-CAA-C. GRCh37 (hg19) VCF-style: chr9-35741034-CAA-C.
Other names: c.812_813del, p.Phe271fs (NM_001330660.2); c.812_813delTT (NM_020944.3); short protein forms F271fs.
Identifiers: ClinVar variation 3896872 (VCV003896872.1).

ClinVar aggregate classification (germline): Likely pathogenic (1 of 4 stars; one submission).

Conditions:
Hereditary spastic paraplegia 46. Also called: Spastic paraplegia 46, autosomal recessive. Identifiers: Orphanet 320391, MedGen C2828721, MONDO:0013737, OMIM 614409.

Submission:

Kariminejad - Najmabadi Pathology & Genetics Center
Classification: Likely pathogenic for Hereditary spastic paraplegia 46. Last evaluated: 2024-01-28. Review status: criteria provided, single submitter. Criteria: ACMG Guidelines, 2015. Collection method: clinical testing. Allele origin: germline. Inheritance: Autosomal recessive inheritance. Affected: yes.
Comment: PVS1_Very strong,PM2_Moderate